The following is an entry in ClinVar:

ClinVar aggregate classification (germline): Likely benign (1 of 4 stars; one submission).

Submission:

CeGaT Center for Human Genetics Tuebingen
Classification: Likely benign. Last evaluated: 2026-08-01. Review status: criteria provided, single submitter. Criteria: CeGaT Center For Human Genetics Tuebingen Variant Classification Criteria Version 2. Collection method: clinical testing. Allele origin: germline. Affected: yes. Observed: 7 variant alleles.
Comment: PPFIA1: PM2:Supporting, BP4, BP7

NM_003626.5(PPFIA1):c.1665A>C (p.Pro555=)

Gene: PPFIA1 (PPFI scaffold protein A1; plus strand). Cytogenetic location: 11q13.3.
Variant type: single nucleotide variant.
Coding change: c.1665A>C on transcript NM_003626.5 (MANE Select); coding-DNA position 1665, A replaced by C.
Protein change: p.Pro555=; no amino-acid change (proline 555 retained).
Molecular consequence: synonymous variant. On other transcripts: non-coding transcript variant (1).
Genome position (GRCh38, 1-based): chr11:70,339,264, A>C. VCF-style: chr11-70339264-A-C. GRCh37 (hg19) VCF-style: chr11-70185370-A-C.
Other names: c.1740A>C, p.Pro580= (NM_001378006.1); c.1665A>C, p.Pro555= (NM_177423.3).
Identifiers: ClinVar variation 2642052 (VCV002642052.24), dbSNP rs1565416348, ClinGen allele CA475243048.